The following is an entry in ClinVar:

NM_006563.5(KLF1):c.384T>G (p.Gly128=)

Genes: KLF1 (KLF transcription factor 1; minus strand), LOC130063673 (ATAC-STARR-seq lymphoblastoid silent region 10180; plus strand). Cytogenetic location: 19p13.13.
Variant type: single nucleotide variant.
Coding change: c.384T>G on transcript NM_006563.5 (MANE Select); coding-DNA position 384, T replaced by G.
Protein change: p.Gly128=; no amino-acid change (glycine 128 retained).
Molecular consequence: synonymous variant.
Genome position (GRCh38, 1-based): chr19:12,885,846, A>C on the plus strand (T>G on the coding strand, the complement: KLF1 is on the minus strand). VCF-style: chr19-12885846-A-C. GRCh37 (hg19) VCF-style: chr19-12996660-A-C.
Identifiers: ClinVar variation 3031027 (VCV003031027.2), dbSNP rs2512556126, ClinGen allele CA505778448.

ClinVar aggregate classification (germline): Likely benign (0 of 4 stars; one submission).

Conditions:
KLF1-related disorder. Also called: KLF1-Related Disorders; KLF1-related condition.

Allele frequency attached by ClinVar (database versions not stated): gnomAD exomes below 0.00001.

Submission:

PreventionGenetics, part of Exact Sciences
Classification: Likely benign for KLF1-related condition. Last evaluated: 2023-11-01. Review status: no assertion criteria provided. Collection method: clinical testing. Allele origin: germline.
Comment: This variant is classified as likely benign based on ACMG/AMP sequence variant interpretation guidelines (Richards et al. 2015 PMID: 25741868, with internal and published modifications).